The following is an entry in ClinVar:

ClinVar aggregate classification (germline): Likely benign. Review status: criteria provided, multiple submitters, no conflicts (2 of 4 stars). 3 submissions from 3 submitters: Likely benign (3). Last evaluated 2025-05-21.

Allele frequency attached by ClinVar (database versions not stated): gnomAD 0.00001; ExAC 0.00002; gnomAD exomes 0.00002; TOPMed 0.00003.
gnomAD v4.1: 27 of 1,613,652 alleles (0.0017%); highest among the groups gnomAD compares: African/African-American, 0.0067%; no homozygotes.

Submissions (3):

Labcorp Genetics (formerly Invitae), Labcorp
Classification: Likely benign. Last evaluated: 2025-05-21. Review status: criteria provided, single submitter. Criteria: Invitae Variant Classification Sherloc (09022015). Collection method: clinical testing. Allele origin: germline.

Blueprint Genetics
Classification: Likely benign. Last evaluated: 2022-01-27. Review status: criteria provided, single submitter. Criteria: ACMG Guidelines, 2015. Collection method: clinical testing. Allele origin: germline.

GeneDx
Classification: Likely benign. Last evaluated: 2016-02-10. Review status: criteria provided, single submitter. Criteria: GeneDx Variant Classification (06012015). Collection method: clinical testing. Allele origin: germline. Affected: yes.
Comment: This variant is considered likely benign or benign based on one or more of the following criteria: it is a conservative change, it occurs at a poorly conserved position in the protein, it is predicted to be benign by multiple in silico algorithms, and/or has population frequency not consistent with disease.

NM_000350.3(ABCA4):c.4129-16G>A

Gene: ABCA4 (ATP binding cassette subfamily A member 4; minus strand). Cytogenetic location: 1p22.1.
Variant type: single nucleotide variant.
Coding change: c.4129-16G>A on transcript NM_000350.3 (MANE Select); 16 bases into the intron before coding-DNA position 4129, G replaced by A.
Molecular consequence: intron variant.
Genome position (GRCh38, 1-based): chr1:94,031,136, C>T on the plus strand (G>A on the coding strand, the complement: ABCA4 is on the minus strand). VCF-style: chr1-94031136-C-T. GRCh37 (hg19) VCF-style: chr1-94496692-C-T.
Identifiers: ClinVar variation 383345 (VCV000383345.9), dbSNP rs762600499, ClinGen allele CA957706.